The following is an entry in ClinVar:

ClinVar aggregate classification (germline): Uncertain significance (1 of 4 stars; one submission).

Conditions:
Catecholaminergic polymorphic ventricular tachycardia (CVPT). Also called: Catecholamine-induced polymorphic ventricular tachycardia. Identifiers: Orphanet 3286, MedGen C5574922, MONDO:0017990.

Allele frequency attached by ClinVar (database versions not stated): gnomAD exomes below 0.00001.
gnomAD v4.1: 3 of 1,560,190 alleles (0.00019%); highest among the groups gnomAD compares: East Asian, 0.0071%; no homozygotes.

Submission:

All of Us Research Program, National Institutes of Health
Classification: Uncertain significance for Catecholaminergic polymorphic ventricular tachycardia. Last evaluated: 2023-06-28. Review status: criteria provided, single submitter. Criteria: ACMG Guidelines, 2015. Collection method: clinical testing. Allele origin: germline. Inheritance: Autosomal dominant inheritance. Observed: 1 variant allele, 1 heterozygote.
Comment: This study involves interpretation of variants in research participants for the purpose of population health screening. Participant phenotype was not available at the time of variant classification. Additional details can be found in publication PMID: 35346344, PMCID: PMC8962531

NM_001035.3(RYR2):c.9137T>C (p.Met3046Thr)

Gene: RYR2 (ryanodine receptor 2; plus strand). Cytogenetic location: 1q43.
Variant type: single nucleotide variant.
Coding change: c.9137T>C on transcript NM_001035.3 (MANE Select); coding-DNA position 9137, T replaced by C.
Protein change: p.Met3046Thr; replaces methionine 3046 with threonine.
Molecular consequence: missense variant.
Genome position (GRCh38, 1-based): chr1:237,700,237, T>C. VCF-style: chr1-237700237-T-C. GRCh37 (hg19) VCF-style: chr1-237863537-T-C.
Other names: short protein forms M3046T.
Identifiers: ClinVar variation 3071697 (VCV003071697.1), dbSNP rs1687848558, ClinGen allele CA345405402.